The following is an entry in ClinVar:

ClinVar aggregate classification (germline): Likely benign. Review status: criteria provided, multiple submitters, no conflicts (2 of 4 stars). 3 submissions from 3 submitters: Likely benign (2). 1 of the submissions does not count toward it. Last evaluated 2026-01-23.

Conditions:
Bardet-Biedl syndrome (BBS). Identifiers: Orphanet 110, MedGen C0752166, MONDO:0015229.
BBS9-related disorder. Also called: BBS9-related condition.

Allele frequency attached by ClinVar (database versions not stated): TOPMed 0.00006; gnomAD 0.00007 and 0.00008; gnomAD exomes 0.00011 and 0.00018; ESP Exome Variant Server 0.00015; 1000 Genomes Project 30x 0.00016; 1000 Genomes Project 0.00020; ExAC 0.00020.
gnomAD v4.1: 175 of 1,614,048 alleles (0.011%); highest among the groups gnomAD compares: South Asian, 0.067%; no homozygotes.

Submissions (3):

Labcorp Genetics (formerly Invitae), Labcorp
Classification: Likely benign for Bardet-Biedl syndrome. Last evaluated: 2026-01-23. Review status: criteria provided, single submitter. Criteria: Invitae Variant Classification Sherloc (09022015). Collection method: clinical testing. Allele origin: germline.

Blueprint Genetics
Classification: Likely benign. Last evaluated: 2024-11-04. Review status: criteria provided, single submitter. Criteria: ACMG Guidelines, 2015. Collection method: clinical testing. Allele origin: germline.

PreventionGenetics, part of Exact Sciences
Classification: Likely benign for BBS9-related condition. Last evaluated: 2020-11-29. Review status: no assertion criteria provided. Collection method: clinical testing. Allele origin: germline. Not counted in ClinVar's aggregate classification.
Comment: This variant is classified as likely benign based on ACMG/AMP sequence variant interpretation guidelines (Richards et al. 2015 PMID: 25741868, with internal and published modifications).

NM_198428.3(BBS9):c.2241C>T (p.Asp747=)

Gene: BBS9 (Bardet-Biedl syndrome 9; plus strand). Cytogenetic location: 7p14.3.
Variant type: single nucleotide variant.
Coding change: c.2241C>T on transcript NM_198428.3 (MANE Select); coding-DNA position 2241, C replaced by T.
Protein change: p.Asp747=; no amino-acid change (aspartic acid 747 retained).
Molecular consequence: synonymous variant. On other transcripts: non-coding transcript variant (3), intron variant (1).
Genome position (GRCh38, 1-based): chr7:33,505,588, C>T. VCF-style: chr7-33505588-C-T. GRCh37 (hg19) VCF-style: chr7-33545200-C-T.
Other names: c.2241C>T (NM_198428.2); c.2136C>T, p.Asp712= (NM_001033604.2); c.2226C>T, p.Asp742= (NM_001033605.2); c.2241C>T, p.Asp747= (NM_001348036.1, NM_001348041.4, NM_001348043.3 and 1 more transcripts); c.1968C>T, p.Asp656= (NM_001348038.3); c.1863C>T, p.Asp621= (NM_001348039.3); c.2121C>T, p.Asp707= (NM_001348040.3, NM_014451.4); c.2106C>T, p.Asp702= (NM_001348042.3); and 3 more.
Identifiers: ClinVar variation 1615217 (VCV001615217.11), dbSNP rs144089673, ClinGen allele CA4214635.
Genomic context (GRCh38, chr7:33,505,588, plus strand): 5'-GAAGAGTGCCACCCATTTGGTGATTCTGCTGATCGCGCTGTGGCAGAAGCTTAGTGCTGA[C>T]CAGGTTGCTATTCTGGAAGCGGCATTTCTGCCGCTACAAGAAGACACTCAAGAATTGGTA-3'
Protein context (NP_940820.1, residues 737-757): LIALWQKLSA[Asp747=]QVAILEAAFL